The following is an entry in ClinVar:

ClinVar aggregate classification (germline): Uncertain significance (1 of 4 stars; one submission).

Submission:

Labcorp Genetics (formerly Invitae), Labcorp
Classification: Uncertain significance. Last evaluated: 2024-01-04. Review status: criteria provided, single submitter. Criteria: Invitae Variant Classification Sherloc (09022015). Collection method: clinical testing. Allele origin: germline.
Comment: This sequence change replaces valine, which is neutral and non-polar, with alanine, which is neutral and non-polar, at codon 357 of the EGF protein (p.Val357Ala). This variant is not present in population databases (gnomAD no frequency). This variant has not been reported in the literature in individuals affected with EGF-related conditions. An algorithm developed to predict the effect of missense changes on protein structure and function (PolyPhen-2) suggests that this variant is likely to be disruptive. In summary, the available evidence is currently insufficient to determine the role of this variant in disease. Therefore, it has been classified as a Variant of Uncertain Significance.

NM_001963.6(EGF):c.1070T>C (p.Val357Ala)

Gene: EGF (epidermal growth factor; plus strand). Cytogenetic location: 4q25.
Variant type: single nucleotide variant.
Coding change: c.1070T>C on transcript NM_001963.6 (MANE Select); coding-DNA position 1070, T replaced by C.
Protein change: p.Val357Ala; replaces valine 357 with alanine.
Molecular consequence: missense variant.
Genome position (GRCh38, 1-based): chr4:109,960,870, T>C. VCF-style: chr4-109960870-T-C. GRCh37 (hg19) VCF-style: chr4-110882026-T-C.
Other names: c.1070T>C, p.Val357Ala (NM_001178130.3); c.944T>C, p.Val315Ala (NM_001178131.3, NM_001357021.2); short protein forms V357A, V315A.
Identifiers: ClinVar variation 2707665 (VCV002707665.3), dbSNP rs2545776213, ClinGen allele CA357879038.